The following is an entry in ClinVar:

ClinVar aggregate classification (germline): Likely benign (0 of 4 stars; one submission).

Conditions:
TMEM94-related disorder. Also called: TMEM94-related condition.

Allele frequency attached by ClinVar (database versions not stated): ExAC 0.00001; gnomAD exomes 0.00005; TOPMed 0.00005; gnomAD 0.00006.
gnomAD v4.1: 89 of 1,613,242 alleles (0.0055%); highest among the groups gnomAD compares: Admixed American, 0.0067%; no homozygotes.

Submission:

PreventionGenetics, part of Exact Sciences
Classification: Likely benign for TMEM94-related condition. Last evaluated: 2019-12-04. Review status: no assertion criteria provided. Collection method: clinical testing. Allele origin: germline.
Comment: This variant is classified as likely benign based on ACMG/AMP sequence variant interpretation guidelines (Richards et al. 2015 PMID: 25741868, with internal and published modifications).

NM_014738.6(TMEM94):c.2979C>T (p.Tyr993=)

Gene: TMEM94 (transmembrane protein 94; plus strand). Cytogenetic location: 17q25.1.
Variant type: single nucleotide variant.
Coding change: c.2979C>T on transcript NM_014738.6 (MANE Select); coding-DNA position 2979, C replaced by T.
Protein change: p.Tyr993=; no amino-acid change (tyrosine 993 retained).
Molecular consequence: synonymous variant.
Genome position (GRCh38, 1-based): chr17:75,496,000, C>T. VCF-style: chr17-75496000-C-T. GRCh37 (hg19) VCF-style: chr17-73492081-C-T.
Other names: c.3009C>T, p.Tyr1003= (NM_001321148.2); c.2991C>T, p.Tyr997= (NM_001321149.2); c.2931C>T, p.Tyr977= (NM_001351202.2); c.3006C>T, p.Tyr1002= (NM_001351203.2).
Identifiers: ClinVar variation 3048309 (VCV003048309.2), dbSNP rs770419936, ClinGen allele CA8762335.